The following is an entry in ClinVar:

NM_005245.4(FAT1):c.4336G>A (p.Val1446Ile)

Gene: FAT1 (FAT atypical cadherin 1; minus strand). Cytogenetic location: 4q35.2.
Variant type: single nucleotide variant.
Coding change: c.4336G>A on transcript NM_005245.4 (MANE Select); coding-DNA position 4336, G replaced by A.
Protein change: p.Val1446Ile; replaces valine 1446 with isoleucine.
Molecular consequence: missense variant.
Genome position (GRCh38, 1-based): chr4:186,628,751, C>T on the plus strand (G>A on the coding strand, the complement: FAT1 is on the minus strand). VCF-style: chr4-186628751-C-T. GRCh37 (hg19) VCF-style: chr4-187549905-C-T.
Other names: short protein forms V1446I.
Identifiers: ClinVar variation 221920 (VCV000221920.5), dbSNP rs200828005, ClinGen allele CA072793.

ClinVar aggregate classification (germline): Conflicting classifications of pathogenicity. Review status: criteria provided, conflicting classifications (1 of 4 stars). 3 submissions from 3 submitters: Uncertain significance (1); Likely benign (2). Last evaluated 2024-11-13.

Conditions:
FAT1-related disorder. Also called: FAT1-related condition.
Irido-corneo-trabecular dysgenesis (ASGD5). Also called: ANTERIOR SEGMENT DYSGENESIS 5. Identifiers: Orphanet 708, MedGen C0344559, MONDO:0011414, OMIM 604229, HP:0000659.
Anophthalmia-microphthalmia syndrome. Also called: Anophthalmia - microphthalmia; Anophthalmia/Microphthalmia. Identifiers: Orphanet 98555, MedGen C5680330, MONDO:0020147.

Allele frequency attached by ClinVar (database versions not stated): gnomAD exomes 0.00005 and 0.00011; ExAC 0.00023; ESP Exome Variant Server 0.00068; TOPMed 0.00071; gnomAD 0.00074 and 0.00078; 1000 Genomes Project 0.00100; 1000 Genomes Project 30x 0.00125.
gnomAD v4.1: 194 of 1,612,744 alleles (0.012%); highest among the groups gnomAD compares: African/African-American, 0.23%; no homozygotes.

Submissions (3):

PreventionGenetics, part of Exact Sciences
Classification: Likely benign for FAT1-related condition. Last evaluated: 2024-11-13. Review status: criteria provided, single submitter. Criteria: ACMG Guidelines, 2015. Collection method: clinical testing. Allele origin: germline.
Comment: This variant is classified as likely benign based on ACMG/AMP sequence variant interpretation guidelines (Richards et al. 2015 PMID: 25741868, with internal and published modifications).

Labcorp Genetics (formerly Invitae), Labcorp
Classification: Uncertain significance. Last evaluated: 2022-10-17. Review status: criteria provided, single submitter. Criteria: Invitae Variant Classification Sherloc (09022015). Collection method: clinical testing. Allele origin: germline.
Comment: This sequence change replaces valine, which is neutral and non-polar, with isoleucine, which is neutral and non-polar, at codon 1446 of the FAT1 protein (p.Val1446Ile). This variant is present in population databases (rs200828005, gnomAD 0.2%). This missense change has been observed in individual(s) with microphthalmia and other ocular anomalies (PMID: 26893459). ClinVar contains an entry for this variant (Variation ID: 221920). Advanced modeling of protein sequence and biophysical properties (such as structural, functional, and spatial information, amino acid conservation, physicochemical variation, residue mobility, and thermodynamic stability) performed at Invitae indicates that this missense variant is not expected to disrupt FAT1 protein function. In summary, the available evidence is currently insufficient to determine the role of this variant in disease. Therefore, it has been classified as a Variant of Uncertain Significance.

Paul Sabatier University EA-4555, Paul Sabatier University
Classification: Likely benign for Irido-corneo-trabecular dysgenesis. Last evaluated: 2013-01-01. Review status: criteria provided, single submitter. Criteria: Chassaing et al. (Genome Res. 2016). Collection method: clinical testing. Allele origin: inherited. Affected: yes. Observed: 1 heterozygote.

Literature cited by the submitters: PubMed 26893459 (cited by Labcorp Genetics (formerly Invitae), Labcorp).